The following is an entry in ClinVar:

ClinVar aggregate classification (germline): Pathogenic (1 of 4 stars; one submission).

Conditions:
Peroxisome biogenesis disorder 11A (Zellweger). Also called: Peroxisome biogenesis disorder 11A. Identifiers: Orphanet 912, MedGen C3554000, MONDO:0013949, OMIM 614883.

Allele frequency attached by ClinVar (database versions not stated): gnomAD exomes below 0.00001.

Submission:

Labcorp Genetics (formerly Invitae), Labcorp
Classification: Pathogenic for Peroxisome biogenesis disorder 11A (Zellweger). Last evaluated: 2023-02-03. Review status: criteria provided, single submitter. Criteria: Invitae Variant Classification Sherloc (09022015). Collection method: clinical testing. Allele origin: germline.
Comment: This sequence change creates a premature translational stop signal (p.Trp267*) in the PEX13 gene. It is expected to result in an absent or disrupted protein product. Loss-of-function variants in PEX13 are known to be pathogenic (PMID: 10332040, 21031596). This variant is not present in population databases (gnomAD no frequency). This variant has not been reported in the literature in individuals affected with PEX13-related conditions. For these reasons, this variant has been classified as Pathogenic.

Literature cited by the submitters: PubMed 10332040; PubMed 21031596.

NM_002618.4(PEX13):c.801G>A (p.Trp267Ter)

Gene: PEX13 (peroxisomal biogenesis factor 13; plus strand). Cytogenetic location: 2p15.
Variant type: single nucleotide variant.
Coding change: c.801G>A on transcript NM_002618.4 (MANE Select); coding-DNA position 801, G replaced by A.
Protein change: p.Trp267Ter; replaces tryptophan 267 with a stop codon.
Molecular consequence: nonsense.
Genome position (GRCh38, 1-based): chr2:61,045,739, G>A. VCF-style: chr2-61045739-G-A. GRCh37 (hg19) VCF-style: chr2-61272874-G-A.
Other names: short protein forms W267*.
Identifiers: ClinVar variation 2834166 (VCV002834166.3), dbSNP rs2467527058, ClinGen allele CA346948096.